The following is an entry in ClinVar:

NM_001347721.2(DYRK1A):c.1509_1511del (p.Ser506del)

Gene: DYRK1A (dual specificity tyrosine phosphorylation regulated kinase 1A; plus strand). Cytogenetic location: 21q22.13.
Variant type: Deletion.
Coding change: c.1509_1511del on transcript NM_001347721.2 (MANE Select); coding-DNA positions 1509 to 1511, 3 bases deleted (GTC; older notation c.1509_1511delGTC).
Protein change: p.Ser506del; deletes serine 506.
Molecular consequence: inframe deletion.
Genome position (GRCh38, 1-based): chr21:37,505,579-37,505,581, GTC deleted; deleting any 3 consecutive bases within chr21:37,505,577-37,505,581 gives the same sequence; the c. name uses the placement nearest the transcript's 3' end. VCF-style (leftmost placement, unchanged base first): chr21-37505576-ATCG-A. GRCh37 (hg19) VCF-style: chr21-38877879-ATCG-A.
Other names: c.1509_1511del, p.Ser506del (NM_001347722.2, NM_130436.2); c.1422_1424del, p.Ser477del (NM_001347723.2); c.1536_1538del, p.Ser515del (NM_001396.5, NM_101395.2, NM_130438.2); short protein forms S477del, S506del, S515del.
Identifiers: ClinVar variation 2129156 (VCV002129156.4), dbSNP rs2518074815, ClinGen allele CA2580098708.
Genomic context (GRCh38, chr21:37,505,576, plus strand): 5'-TAGTGTATCTACAAGCCCCGCCATGGAGCAGTCTCAGTCTTCGGGCACCACCTCCAGTAC[ATCG>A]TCAAGCTCAGGTCTGTGCTGCTGCGGTTAGATTAGGCTTGGGAATGTTTTGTGTTTTCTT-3'

ClinVar aggregate classification (germline): Uncertain significance (1 of 4 stars; one submission).

Conditions:
DYRK1A-related intellectual disability syndrome (MRD7). Also called: DYRK1A Syndrome; Intellectual developmental disorder, autosomal dominant 7. Identifiers: Orphanet 464306, MedGen C5568143, MONDO:0013578, OMIM 614104.

Submission:

Labcorp Genetics (formerly Invitae), Labcorp
Classification: Uncertain significance for DYRK1A-related intellectual disability syndrome. Last evaluated: 2022-04-22. Review status: criteria provided, single submitter. Criteria: Invitae Variant Classification Sherloc (09022015). Collection method: clinical testing. Allele origin: germline.
Comment: In summary, the available evidence is currently insufficient to determine the role of this variant in disease. Therefore, it has been classified as a Variant of Uncertain Significance. Experimental studies and prediction algorithms are not available or were not evaluated, and the functional significance of this variant is currently unknown. This variant has not been reported in the literature in individuals affected with DYRK1A-related conditions. This variant is not present in population databases (gnomAD no frequency). This variant, c.1536_1538del, results in the deletion of 1 amino acid(s) of the DYRK1A protein (p.Ser515del), but otherwise preserves the integrity of the reading frame.